The following is an entry in ClinVar:

NM_153704.6(TMEM67):c.2557-11_2557-3dup

Gene: TMEM67 (transmembrane protein 67; plus strand). Cytogenetic location: 8q22.1.
Variant type: Duplication.
Coding change: c.2557-11_2557-3dup on transcript NM_153704.6 (MANE Select); 11 bases into the intron before coding-DNA position 2557 through 3 bases into the intron before coding-DNA position 2557, 9 bases duplicated (TTTTACATT; older notation c.2557-11_2557-3dupTTTTACATT).
Molecular consequence: intron variant.
Genome position (GRCh38, 1-based): chr8:93,809,046-93,809,054, TTTTACATT duplicated; duplicating any 9 consecutive bases within chr8:93,809,044-93,809,054 gives the same sequence; the c. name uses the placement nearest the transcript's 3' end. VCF-style (leftmost placement, unchanged base first): chr8-93809043-C-CTTTTTTACA. GRCh37 (hg19) VCF-style: chr8-94821271-C-CTTTTTTACA.
Other names: c.2314-11_2314-3dup (NM_001142301.1); c.2557-11_2557-3dup9 (NM_153704.5).
Identifiers: ClinVar variation 3758063 (VCV003758063.3).

ClinVar aggregate classification (germline): Likely benign. Review status: criteria provided, multiple submitters, no conflicts (2 of 4 stars). 2 submissions from 2 submitters: Likely benign (2). Last evaluated 2025-01-15.

Conditions:
TMEM67-related disorder. Also called: TMEM67-related condition; TMEM67-related disorders. Identifiers: MedGen CN239423.
Meckel-Gruber syndrome. Also called: Dysencephalia splachnocystica; DYSENCEPHALIA SPLANCHNOCYSTICA; GRUBER SYNDROME. Identifiers: Orphanet 564, MedGen C0265215, MONDO:0018921.
Joubert syndrome. Also called: Familial aplasia of the vermis; JOUBERT-BOLTSHAUSER SYNDROME. Identifiers: Orphanet 475, MedGen C5979921, MONDO:0018772.

Submissions (2):

PreventionGenetics, part of Exact Sciences
Classification: Likely benign for TMEM67-related condition. Last evaluated: 2025-01-15. Review status: criteria provided, single submitter. Criteria: ACMG Guidelines, 2015. Collection method: clinical testing. Allele origin: germline.
Comment: This variant is classified as likely benign based on ACMG/AMP sequence variant interpretation guidelines (Richards et al. 2015 PMID: 25741868, with internal and published modifications).

Labcorp Genetics (formerly Invitae), Labcorp
Classification: Likely benign for Joubert syndrome; Meckel-Gruber syndrome. Last evaluated: 2024-04-29. Review status: criteria provided, single submitter. Criteria: Invitae Variant Classification Sherloc (09022015). Collection method: clinical testing. Allele origin: germline.